The following is an entry in ClinVar:

ClinVar aggregate classification (germline): Uncertain significance (1 of 4 stars; one submission).

Conditions:
TMED3-related disorder. Also called: TMED3-related condition.

Submission:

PreventionGenetics, part of Exact Sciences
Classification: Uncertain significance for TMED3-related condition. Last evaluated: 2024-11-14. Review status: criteria provided, single submitter. Criteria: ACMG Guidelines, 2015. Collection method: clinical testing. Allele origin: germline.
Comment: The TMED3 c.491_515dup25 variant is predicted to result in a frameshift and premature protein termination (p.Glu173Glyfs*12). To our knowledge, this variant has not been reported in the literature or in a large population database (gnomAD), indicating this variant is rare. Loss-of-function variants in TMED3 have not been associated with disease, and variants of this type are tolerated in the general population (gnomAD, pLI=0.02). At this time, the clinical significance of this variant is uncertain due to the absence of conclusive functional and genetic evidence.

NM_007364.4(TMED3):c.491_515dup (p.Glu173fs)

Gene: TMED3 (transmembrane p24 trafficking protein 3; plus strand). Cytogenetic location: 15q25.1.
Variant type: Duplication.
Coding change: c.491_515dup on transcript NM_007364.4 (MANE Select); coding-DNA positions 491 to 515, 25 bases duplicated (GGGAGGCCCAGGACCGGGCCCGAGC).
Protein change: p.Glu173fs; shifts the reading frame from glutamic acid 173.
Molecular consequence: frameshift variant. On other transcripts: non-coding transcript variant (1), intron variant (2).
Genome position (GRCh38, 1-based): chr15:79,322,051-79,322,075, GGGAGGCCCAGGACCGGGCCCGAGC duplicated; duplicating any 25 consecutive bases within chr15:79,322,049-79,322,075 gives the same sequence; the c. name uses the placement nearest the transcript's 3' end. VCF-style (leftmost placement, unchanged base first): chr15-79322048-T-TGCGGGAGGCCCAGGACCGGGCCCGA. GRCh37 (hg19) VCF-style: chr15-79614390-T-TGCGGGAGGCCCAGGACCGGGCCCGA.
Other names: c.417+8046_417+8070dup (NM_001330376.2, NM_001301203.3); short protein forms E173fs.
Identifiers: ClinVar variation 5002219 (VCV005002219.1).
Genomic context (GRCh38, chr15:79,322,048, plus strand): 5'-CCTGCGTGACCATCCATGAGGCTCTGAAAACGGTGATTGACTCCCAGACGCATTACCGGC[T>TGCGGGAGGCCCAGGACCGGGCCCGA]GCGGGAGGCCCAGGACCGGGCCCGAGCAGAAGACCTTAATAGCCGAGTCTCTTACTGGTC-3'